The following is an entry in ClinVar:

ClinVar aggregate classification (germline): Uncertain significance. Review status: criteria provided, multiple submitters, no conflicts (2 of 4 stars). 3 submissions from 3 submitters: Uncertain significance (3). Last evaluated 2025-11-18.

Conditions:
Cohen syndrome (COH1). Also called: Cutis verticis gyrata, retinitis pigmentosa, and sensorineural deafness; PEPPER SYNDROME. Identifiers: Orphanet 193, MedGen C0265223, MONDO:0008999, OMIM 216550.
VPS13B-related disorder. Also called: VPS13B-related condition.
Inborn genetic diseases. Identifiers: MedGen C0950123, MeSH D030342.

Allele frequency attached by ClinVar (database versions not stated): gnomAD exomes below 0.00001; gnomAD 0.00001.
gnomAD v4.1: 3 of 1,592,576 alleles (0.00019%); highest among the groups gnomAD compares: African/African-American, 0.004%; no homozygotes.

Submissions (3):

PreventionGenetics, part of Exact Sciences
Classification: Uncertain significance for VPS13B-related condition. Last evaluated: 2025-11-18. Review status: criteria provided, single submitter. Criteria: ACMG Guidelines, 2015. Collection method: clinical testing. Allele origin: germline.
Comment: The VPS13B c.11047A>G variant is predicted to result in the amino acid substitution p.Thr3683Ala. To our knowledge, this variant has not been reported in the literature or in a large population database, indicating this variant is rare. At this time, the clinical significance of this variant is uncertain due to the absence of conclusive functional and genetic evidence.

Ambry Genetics
Classification: Uncertain significance for Inborn genetic diseases. Last evaluated: 2024-04-22. Review status: criteria provided, single submitter. Criteria: Ambry Variant Classification Scheme 2023. Collection method: clinical testing. Allele origin: germline.

Labcorp Genetics (formerly Invitae), Labcorp
Classification: Uncertain significance for Cohen syndrome. Last evaluated: 2022-07-05. Review status: criteria provided, single submitter. Criteria: Invitae Variant Classification Sherloc (09022015). Collection method: clinical testing. Allele origin: germline.
Comment: This sequence change replaces threonine, which is neutral and polar, with alanine, which is neutral and non-polar, at codon 3708 of the VPS13B protein (p.Thr3708Ala). This variant is not present in population databases (gnomAD no frequency). This variant has not been reported in the literature in individuals affected with VPS13B-related conditions. Algorithms developed to predict the effect of missense changes on protein structure and function are either unavailable or do not agree on the potential impact of this missense change (SIFT: "Not Available"; PolyPhen-2: "Benign"; Align-GVGD: "Not Available"). In summary, the available evidence is currently insufficient to determine the role of this variant in disease. Therefore, it has been classified as a Variant of Uncertain Significance.

NM_152564.5(VPS13B):c.11047A>G (p.Thr3683Ala)

Gene: VPS13B (vacuolar protein sorting 13 homolog B; plus strand). Cytogenetic location: 8q22.2.
Variant type: single nucleotide variant.
Coding change: c.11047A>G on transcript NM_152564.5 (MANE Select); coding-DNA position 11047, A replaced by G.
Protein change: p.Thr3683Ala; replaces threonine 3683 with alanine.
Molecular consequence: missense variant.
Genome position (GRCh38, 1-based): chr8:99,861,778, A>G. VCF-style: chr8-99861778-A-G. GRCh37 (hg19) VCF-style: chr8-100874006-A-G.
Other names: c.11122A>G, p.Thr3708Ala (NM_017890.5); c.11122A>G (NM_017890.3); short protein forms T3708A, T3683A.
Identifiers: ClinVar variation 2051685 (VCV002051685.3), dbSNP rs1253597480, ClinGen allele CA371790183.
Genomic context (GRCh38, chr8:99,861,778, plus strand): 5'-CCTTGGGGTCCATCATGTATGCGACAAGGAGGCTAACCCCATGCTCTTGTTCCCTCAGGT[A>G]CCCTCACATCCATCACCAACCTCGCCACAAGCCTGGCCCGGAACATGGACCGGCTCTCAC-3'
Protein context (NP_689777.3, residues 3673-3693): TSFVKHISKG[Thr3683Ala]LTSITNLATS